The following is an entry in ClinVar:

ClinVar aggregate classification (germline): Uncertain significance (1 of 4 stars; one submission).

gnomAD v4.1: 2 of 1,614,228 alleles (0.00012%); highest among the groups gnomAD compares: Non-Finnish European, 0.00017%; no homozygotes.

Submission:

Labcorp Genetics (formerly Invitae), Labcorp
Classification: Uncertain significance. Last evaluated: 2025-06-17. Review status: criteria provided, single submitter. Criteria: Invitae Variant Classification Sherloc (09022015). Collection method: clinical testing. Allele origin: germline.
Comment: This sequence change replaces isoleucine, which is neutral and non-polar, with methionine, which is neutral and non-polar, at codon 547 of the MBD4 protein (p.Ile547Met). This variant is not present in population databases (gnomAD no frequency). This variant has not been reported in the literature in individuals affected with MBD4-related conditions. An algorithm developed to predict the effect of missense changes on protein structure and function (PolyPhen-2) suggests that this variant is likely to be disruptive. In summary, the available evidence is currently insufficient to determine the role of this variant in disease. Therefore, it has been classified as a Variant of Uncertain Significance.

NM_001276270.2(MBD4):c.1623T>G (p.Ile541Met)

Gene: MBD4 (methyl-CpG binding domain 4, DNA glycosylase; minus strand). Cytogenetic location: 3q21.3.
Variant type: single nucleotide variant.
Coding change: c.1623T>G on transcript NM_001276270.2 (MANE Select); coding-DNA position 1623, T replaced by G.
Protein change: p.Ile541Met; replaces isoleucine 541 with methionine.
Molecular consequence: missense variant. On other transcripts: intron variant (1).
Genome position (GRCh38, 1-based): chr3:129,432,527, A>C on the plus strand (T>G on the coding strand, the complement: MBD4 is on the minus strand). VCF-style: chr3-129432527-A-C. GRCh37 (hg19) VCF-style: chr3-129151370-A-C.
Other names: c.1641T>G, p.Ile547Met (NM_001276271.2, NM_003925.3); c.687T>G, p.Ile229Met (NM_001276273.2); c.1612+29T>G (NM_001276272.2); short protein forms I229M, I541M, I547M.
Identifiers: ClinVar variation 4809450 (VCV004809450.1).